The following is an entry in ClinVar:

NM_000152.5(GAA):c.619C>T (p.Pro207Ser)

Gene: GAA (alpha glucosidase; plus strand). Cytogenetic location: 17q25.3.
Variant type: single nucleotide variant.
Coding change: c.619C>T on transcript NM_000152.5 (MANE Select); coding-DNA position 619, C replaced by T.
Protein change: p.Pro207Ser; replaces proline 207 with serine.
Molecular consequence: missense variant.
Genome position (GRCh38, 1-based): chr17:80,105,821, C>T. VCF-style: chr17-80105821-C-T. GRCh37 (hg19) VCF-style: chr17-78079620-C-T.
Other names: c.619C>T, p.Pro207Ser (NM_001079803.3, NM_001079804.3, NM_001406741.1 and 1 more transcripts); short protein forms P207S.
Identifiers: ClinVar variation 1946391 (VCV001946391.5), dbSNP rs2510350535, ClinGen allele CA401362353.

ClinVar aggregate classification (germline): Uncertain significance (1 of 4 stars; one submission).

Conditions:
Glycogen storage disease, type II (IOPD). Also called: POMPE DISEASE, INFANTILE-ONSET; GLYCOGEN STORAGE DISEASE II, INFANTILE-ONSET; ACID ALPHA-GLUCOSIDASE DEFICIENCY, INFANTILE-ONSET; GAA DEFICIENCY, INFANTILE-ONSET; ACID MALTASE DEFICIENCY, INFANTILE-ONSET; CARDIOMEGALIA GLYCOGENICA DIFFUSA. Identifiers: Orphanet 365, MedGen C0017921, MONDO:0009290, OMIM 232300.

Allele frequency attached by ClinVar (database versions not stated): gnomAD exomes below 0.00001.
gnomAD v4.1: 1 of 1,610,526 alleles (0.000062%); highest among the groups gnomAD compares: Non-Finnish European, 0.000085%; no homozygotes.

Submission:

Labcorp Genetics (formerly Invitae), Labcorp
Classification: Uncertain significance for Glycogen storage disease, type II. Last evaluated: 2022-07-02. Review status: criteria provided, single submitter. Criteria: Invitae Variant Classification Sherloc (09022015). Collection method: clinical testing. Allele origin: germline.
Comment: This sequence change replaces proline, which is neutral and non-polar, with serine, which is neutral and polar, at codon 207 of the GAA protein (p.Pro207Ser). This variant is not present in population databases (gnomAD no frequency). This variant has not been reported in the literature in individuals affected with GAA-related conditions. Advanced modeling of protein sequence and biophysical properties (such as structural, functional, and spatial information, amino acid conservation, physicochemical variation, residue mobility, and thermodynamic stability) performed at Invitae indicates that this missense variant is not expected to disrupt GAA protein function. In summary, the available evidence is currently insufficient to determine the role of this variant in disease. Therefore, it has been classified as a Variant of Uncertain Significance.